The following is an entry in ClinVar:

NM_199420.4(POLQ):c.1321G>A (p.Ala441Thr)

Gene: POLQ (DNA polymerase theta; minus strand). Cytogenetic location: 3q13.33.
Variant type: single nucleotide variant.
Coding change: c.1321G>A on transcript NM_199420.4 (MANE Select); coding-DNA position 1321, G replaced by A.
Protein change: p.Ala441Thr; replaces alanine 441 with threonine.
Molecular consequence: missense variant.
Genome position (GRCh38, 1-based): chr3:121,520,018, C>T on the plus strand (G>A on the coding strand, the complement: POLQ is on the minus strand). VCF-style: chr3-121520018-C-T. GRCh37 (hg19) VCF-style: chr3-121238865-C-T.
Other names: short protein forms A441T.
Identifiers: ClinVar variation 3308531 (VCV003308531.1).

ClinVar aggregate classification (germline): Uncertain significance (1 of 4 stars; one submission).

Submission:

Ambry Genetics
Classification: Uncertain significance. Last evaluated: 2024-05-02. Review status: criteria provided, single submitter. Criteria: Ambry Variant Classification Scheme 2023. Collection method: clinical testing. Allele origin: germline.
Comment: The p.A441T variant (also known as c.1321G>A), located in coding exon 9 of the POLQ gene, results from a G to A substitution at nucleotide position 1321. The alanine at codon 441 is replaced by threonine, an amino acid with similar properties. This amino acid position is conserved. In addition, this alteration is predicted to be tolerated by in silico analysis. Based on the available evidence, the clinical significance of this variant remains unclear.